The following is an entry in ClinVar:

ClinVar aggregate classification (germline): Uncertain significance (1 of 4 stars; one submission).

Conditions:
SHANK1-related disorder. Also called: SHANK1-related condition.

Allele frequency attached by ClinVar (database versions not stated): gnomAD exomes below 0.00001; TOPMed below 0.00001.
gnomAD v4.1: 3 of 1,456,138 alleles (0.00021%); highest among the groups gnomAD compares: Non-Finnish European, 0.00018%; no homozygotes.

Submission:

PreventionGenetics, part of Exact Sciences
Classification: Uncertain significance for SHANK1-related condition. Last evaluated: 2022-10-21. Review status: criteria provided, single submitter. Criteria: ACMG Guidelines, 2015. Collection method: clinical testing. Allele origin: germline.
Comment: The SHANK1 c.4400C>G variant is predicted to result in the amino acid substitution p.Pro1467Arg. To our knowledge, this variant has not been reported in the literature or in a large population database, indicating this variant is rare. At this time, the clinical significance of this variant is uncertain due to the absence of conclusive functional and genetic evidence.

NM_016148.5(SHANK1):c.4400C>G (p.Pro1467Arg)

Gene: SHANK1 (SH3 and multiple ankyrin repeat domains 1; minus strand). Cytogenetic location: 19q13.33.
Variant type: single nucleotide variant.
Coding change: c.4400C>G on transcript NM_016148.5 (MANE Select); coding-DNA position 4400, C replaced by G.
Protein change: p.Pro1467Arg; replaces proline 1467 with arginine.
Molecular consequence: missense variant.
Genome position (GRCh38, 1-based): chr19:50,667,560, G>C on the plus strand (C>G on the coding strand, the complement: SHANK1 is on the minus strand). VCF-style: chr19-50667560-G-C. GRCh37 (hg19) VCF-style: chr19-51170817-G-C.
Other names: short protein forms P1467R.
Identifiers: ClinVar variation 2634327 (VCV002634327.1), dbSNP rs1985587870, ClinGen allele CA407014269.